The following is an entry in ClinVar:

NM_001852.4(COL9A2):c.*312T>A

Gene: COL9A2 (collagen type IX alpha 2 chain; minus strand). Cytogenetic location: 1p34.2.
Variant type: single nucleotide variant.
Coding change: c.*312T>A on transcript NM_001852.4 (MANE Select); 312 bases downstream of the stop codon, T replaced by A.
Molecular consequence: 3 prime UTR variant.
Genome position (GRCh38, 1-based): chr1:40,300,870, A>T on the plus strand (T>A on the coding strand, the complement: COL9A2 is on the minus strand). VCF-style: chr1-40300870-A-T. GRCh37 (hg19) VCF-style: chr1-40766542-A-T.
Identifiers: ClinVar variation 297285 (VCV000297285.6), dbSNP rs41466547, ClinGen allele CA10611007.

ClinVar aggregate classification (germline): Benign. Review status: criteria provided, multiple submitters, no conflicts (2 of 4 stars). 2 submissions from 2 submitters: Benign (2). Last evaluated 2018-01-13.

Conditions:
Epiphyseal dysplasia, multiple, 2 (EDM2). Also called: COL9A2-Related Multiple Epiphyseal Dysplasia. Identifiers: MedGen C1838429, MONDO:0010844, OMIM 600204.

Allele frequency attached by ClinVar (database versions not stated): gnomAD exomes 0.03054; gnomAD 0.06574 and 0.06828; 1000 Genomes Project 0.06749; 1000 Genomes Project 30x 0.06886; TOPMed 0.07059.
gnomAD v4.1: 15,097 of 320,982 alleles (4.7%); highest among the groups gnomAD compares: African/African-American, 17%; 799 homozygotes.

Submissions (2):

Illumina Laboratory Services, Illumina
Classification: Benign for Epiphyseal dysplasia, multiple, 2. Last evaluated: 2018-01-13. Review status: criteria provided, single submitter. Criteria: ICSL Variant Classification Criteria 13 December 2019. Collection method: clinical testing. Allele origin: germline.
Comment: This variant was observed in the ICSL laboratory as part of a predisposition screen in an ostensibly healthy population. It had not been previously curated by ICSL or reported in the Human Gene Mutation Database (HGMD: prior to June 1st, 2018), and was therefore a candidate for classification through an automated scoring system. Utilizing variant allele frequency, disease prevalence and penetrance estimates, and inheritance mode, an automated score was calculated to assess if this variant is too frequent to cause the disease. Based on the score and internal cut-off values, a variant classified as benign is not then subjected to further curation. The score for this variant resulted in a classification of benign for this disease.

Breakthrough Genomics
Classification: Benign. Review status: criteria provided, single submitter. Criteria: ACMG Guidelines, 2015. Collection method: not provided. Allele origin: germline. Inheritance: Autosomal recessive inheritance. Affected: yes.